The following is an entry in ClinVar:

NM_000218.3(KCNQ1):c.1686-9_1686-7del

Gene: KCNQ1 (potassium voltage-gated channel subfamily Q member 1; plus strand). Cytogenetic location: 11p15.5.
Variant type: Deletion.
Coding change: c.1686-9_1686-7del on transcript NM_000218.3 (MANE Select); 9 bases into the intron before coding-DNA position 1686 through 7 bases into the intron before coding-DNA position 1686, 3 bases deleted (TCT; older notation c.1686-9_1686-7delTCT).
Molecular consequence: intron variant.
Genome position (GRCh38, 1-based): chr11:2,776,977-2,776,979, TCT deleted; deleting any 3 consecutive bases within chr11:2,776,975-2,776,979 gives the same sequence; the c. name uses the placement nearest the transcript's 3' end. VCF-style (leftmost placement, unchanged base first): chr11-2776974-CCTT-C. GRCh37 (hg19) VCF-style: chr11-2798204-CCTT-C.
Other names: c.1416-9_1416-7del (NM_001406837.1); c.1590-9_1590-7del (NM_001406836.1); c.1146-9_1146-7del (NM_001406838.1); c.1305-9_1305-7del (NM_181798.2).
Identifiers: ClinVar variation 1205800 (VCV001205800.5), dbSNP rs1564889519, ClinGen allele CA597110422.

ClinVar aggregate classification (germline): Uncertain significance (1 of 4 stars; one submission).

Submission:

GeneDx
Classification: Uncertain significance. Last evaluated: 2021-05-25. Review status: criteria provided, single submitter. Criteria: GeneDx Variant Classification Process June 2021. Collection method: clinical testing. Allele origin: germline. Affected: yes.
Comment: Has not been previously published as pathogenic or benign to our knowledge; Not observed at a significant frequency in large population cohorts (Lek et al., 2016); In-silico analysis, which includes splice predictors and evolutionary conservation, is inconclusive as to whether the variant alters gene splicing. In the absence of RNA/functional studies, the actual effect of this sequence change is unknown.